The following is an entry in ClinVar:

ClinVar aggregate classification (germline): Uncertain significance (1 of 4 stars; one submission).

Submission:

Labcorp Genetics (formerly Invitae), Labcorp
Classification: Uncertain significance. Last evaluated: 2022-10-17. Review status: criteria provided, single submitter. Criteria: Invitae Variant Classification Sherloc (09022015). Collection method: clinical testing. Allele origin: germline.
Comment: This variant has not been reported in the literature in individuals affected with RIN2-related conditions. In summary, the available evidence is currently insufficient to determine the role of this variant in disease. Therefore, it has been classified as a Variant of Uncertain Significance. Experimental studies and prediction algorithms are not available or were not evaluated, and the functional significance of this variant is currently unknown. This variant is not present in population databases (gnomAD no frequency). This sequence change creates a premature translational stop signal (p.Arg19*) in the RIN2 gene. While this is not anticipated to result in nonsense mediated decay, it is expected to disrupt the last 926 amino acid(s) of the RIN2 protein. The RIN2 gene has multiple clinically relevant transcripts. This variant occurs in alternate transcript NM_001242581.1, and corresponds to NM_018993.3:c.-2878A>T in the primary transcript.

NM_018993.4(RIN2):c.-36-2842A>T

Gene: RIN2 (Ras and Rab interactor 2; plus strand). Cytogenetic location: 20p11.23.
Variant type: single nucleotide variant.
Coding change: c.-36-2842A>T on transcript NM_018993.4 (MANE Select); 2842 bases into the intron before 36 bases upstream of the start codon, A replaced by T.
Molecular consequence: intron variant. On other transcripts: nonsense (1).
Genome position (GRCh38, 1-based): chr20:19,886,724, A>T. VCF-style: chr20-19886724-A-T. GRCh37 (hg19) VCF-style: chr20-19867368-A-T.
Other names: c.55A>T, p.Arg19Ter (NM_001242581.2); c.-581-2842A>T (NM_001378238.1); short protein forms R19*.
Identifiers: ClinVar variation 2010701 (VCV002010701.4), dbSNP rs2514840927, ClinGen allele CA408482526.